The following is an entry in ClinVar:

NM_001999.4(FBN2):c.1722del (p.Ile574fs)

Gene: FBN2 (fibrillin 2; minus strand). Cytogenetic location: 5q23.3.
Variant type: Deletion.
Coding change: c.1722del on transcript NM_001999.4 (MANE Select); coding-DNA position 1722, one base deleted (T; older notation c.1722delT).
Protein change: p.Ile574fs; shifts the reading frame from isoleucine 574.
Molecular consequence: frameshift variant.
Genome position (GRCh38, 1-based): chr5:128,378,772, A deleted on the plus strand (T on the coding strand, the reverse complement: FBN2 is on the minus strand); the first of 2 consecutive A bases (chr5:128,378,772-128,378,773); deleting either gives the same sequence. VCF-style (leftmost placement, unchanged base first): chr5-128378771-CA-C. GRCh37 (hg19) VCF-style: chr5-127714464-CA-C.
Other names: short protein forms I574fs.
Identifiers: ClinVar variation 4736184 (VCV004736184.1).
Genomic context (GRCh38, chr5:128,378,771, plus strand): 5'-AACAGCCTTGGTCACTATATTTCATGGAACATTTTCATATGTGAAAGCAAACTGCCTTAC[CA>C]ATGCATGCTTGCTTGGTAGGAGTCCTCTGGAATCCAGCATGACATTTACAATAATAGGAA-3'

ClinVar aggregate classification (germline): Uncertain significance (1 of 4 stars; one submission).

Conditions:
Congenital contractural arachnodactyly (CCA). Also called: Beals-Hecht syndrome; BEALS SYNDROME; Arthrogryposis, distal, type 9. Identifiers: Orphanet 115, MedGen C0220668, MONDO:0007363, OMIM 121050.

Submission:

Labcorp Genetics (formerly Invitae), Labcorp
Classification: Uncertain significance for Congenital contractural arachnodactyly. Last evaluated: 2026-01-26. Review status: criteria provided, single submitter. Criteria: Invitae Variant Classification Sherloc (09022015). Collection method: clinical testing. Allele origin: germline.
Comment: This sequence change creates a premature translational stop signal (p.Ile574Metfs*19) in the FBN2 gene. It is expected to result in an absent or disrupted protein product. However, the current clinical and genetic evidence is not sufficient to establish whether loss-of-function variants in FBN2 cause disease. This variant is not present in population databases (gnomAD no frequency). This variant has not been reported in the literature in individuals affected with FBN2-related conditions. In summary, the available evidence is currently insufficient to determine the role of this variant in disease. Therefore, it has been classified as a Variant of Uncertain Significance.